The following is an entry in ClinVar:

NM_016239.4(MYO15A):c.7857G>A (p.Gly2619=)

Gene: MYO15A (myosin XVA; plus strand). Cytogenetic location: 17p11.2.
Variant type: single nucleotide variant.
Coding change: c.7857G>A on transcript NM_016239.4 (MANE Select); coding-DNA position 7857, G replaced by A.
Protein change: p.Gly2619=; no amino-acid change (glycine 2619 retained).
Molecular consequence: synonymous variant.
Genome position (GRCh38, 1-based): chr17:18,151,915, G>A. VCF-style: chr17-18151915-G-A. GRCh37 (hg19) VCF-style: chr17-18055229-G-A.
Other names: p.Gly2619=.
Identifiers: ClinVar variation 45761 (VCV000045761.31), dbSNP rs854772, ClinGen allele CA137010.
Genomic context (GRCh38, chr17:18,151,915, plus strand): 5'-CGGGAAAGTGTTCATGAAGCGGCCAGACCCTCATGAGGAGGCCCTGATGATCCTGAAAGG[G>A]CAGATGACCCACCTGGCAGCTGCACCTGGCACCCAGGTGAGGGGGGAAGGTGGGGCTGAG-3'
Protein context (NP_057323.3, residues 2609-2629): PHEEALMILK[Gly2619=]QMTHLAAAPG

ClinVar aggregate classification (germline): Benign. Review status: criteria provided, multiple submitters, no conflicts (2 of 4 stars). 12 submissions from 12 submitters: Benign (10). 2 of the submissions do not count toward it. Last evaluated 2026-06-26.

Conditions:
Autosomal recessive nonsyndromic hearing loss 3. Also called: NEUROSENSORY NONSYNDROMIC RECESSIVE DEAFNESS 3. Identifiers: Orphanet 90636, MedGen C1838263, MONDO:0010860, OMIM 600316.

Allele frequency attached by ClinVar (database versions not stated): 1000 Genomes Project 0.39077; gnomAD 0.55976 and 0.54866; gnomAD exomes 0.50986 and 0.58481; ExAC 0.56358; 1000 Genomes Project 30x 0.40100; TOPMed 0.54054; ESP Exome Variant Server 0.59902.
gnomAD v4.1: 910,899 of 1,569,040 alleles (58%); highest among the groups gnomAD compares: Middle Eastern, 65%; 273,422 homozygotes.

Submissions (12):

Women's Health and Genetics/Laboratory Corporation of America, LabCorp
Classification: Benign. Last evaluated: 2026-06-26. Review status: criteria provided, single submitter. Criteria: LabCorp Variant Classification Summary - May 2015. Collection method: clinical testing. Allele origin: germline.

Labcorp Genetics (formerly Invitae), Labcorp
Classification: Benign. Last evaluated: 2026-02-04. Review status: criteria provided, single submitter. Criteria: Invitae Variant Classification Sherloc (09022015). Collection method: clinical testing. Allele origin: germline.

Genome-Nilou Lab
Classification: Benign for Autosomal recessive nonsyndromic hearing loss 3. Last evaluated: 2021-09-05. Review status: criteria provided, single submitter. Criteria: ACMG Guidelines, 2015. Collection method: clinical testing. Allele origin: germline. Affected: no.

Mayo Clinic Laboratories, Mayo Clinic
Classification: Benign. Last evaluated: 2020-10-20. Review status: criteria provided, single submitter. Criteria: ACMG Guidelines, 2015. Collection method: clinical testing. Allele origin: germline. Observed: 123 variant alleles.

Illumina Laboratory Services, Illumina
Classification: Benign for Autosomal recessive nonsyndromic hearing loss 3. Last evaluated: 2018-01-13. Review status: criteria provided, single submitter. Criteria: ICSL Variant Classification Criteria 13 December 2019. Collection method: clinical testing. Allele origin: germline.
Comment: This variant was observed in the ICSL laboratory as part of a predisposition screen in an ostensibly healthy population. It had not been previously curated by ICSL or reported in the Human Gene Mutation Database (HGMD: prior to June 1st, 2018), and was therefore a candidate for classification through an automated scoring system. Utilizing variant allele frequency, disease prevalence and penetrance estimates, and inheritance mode, an automated score was calculated to assess if this variant is too frequent to cause the disease. Based on the score and internal cut-off values, a variant classified as benign is not then subjected to further curation. The score for this variant resulted in a classification of benign for this disease.

GeneDx
Classification: Benign. Last evaluated: 2017-05-09. Review status: criteria provided, single submitter. Criteria: GeneDx Variant Classification (06012015). Collection method: clinical testing. Allele origin: germline. Affected: yes.
Comment: This variant is considered likely benign or benign based on one or more of the following criteria: it is a conservative change, it occurs at a poorly conserved position in the protein, it is predicted to be benign by multiple in silico algorithms, and/or has population frequency not consistent with disease.

Eurofins Ntd Llc (ga)
Classification: Benign. Last evaluated: 2016-03-21. Review status: criteria provided, single submitter. Criteria: EGL Classification Definitions 2015. Collection method: clinical testing. Allele origin: germline. Observed: 1 variant allele, 1 homozygote.

Laboratory for Molecular Medicine, Mass General Brigham Personalized Medicine
Classification: Benign. Last evaluated: 2012-05-07. Review status: criteria provided, single submitter. Criteria: LMM Criteria. Collection method: clinical testing. Allele origin: germline. Observed: 1,305 variant alleles.
Comment: "Gly2619Gly in Exon 41 of MYO15A: This variant is not expected to have clinical significance because it does not alter an amino acid residue, is not located wit hin the splice consensus sequence, and has been identified in 46.7% (1513/3240) of African American chromosomes from a broad population by the NHLBI Exome Seque ncing Project (dbSNP rs854772)."

Breakthrough Genomics
Classification: Benign. Review status: criteria provided, single submitter. Criteria: ACMG Guidelines, 2015. Collection method: not provided. Allele origin: germline. Inheritance: Autosomal recessive inheritance. Affected: yes.

PreventionGenetics, part of Exact Sciences
Classification: Benign. Review status: criteria provided, single submitter. Criteria: ACMG Guidelines, 2015. Collection method: clinical testing. Allele origin: germline.

Diagnostic Laboratory, Department of Genetics, University Medical Center Groningen
Classification: Benign. Review status: no assertion criteria provided. Collection method: clinical testing. Allele origin: germline. Affected: yes. Study: VKGL Data-share Consensus. Not counted in ClinVar's aggregate classification.

Joint Genome Diagnostic Labs from Nijmegen and Maastricht, Radboudumc and MUMC+
Classification: Benign. Review status: no assertion criteria provided. Collection method: clinical testing. Allele origin: germline. Affected: yes. Study: VKGL Data-share Consensus. Not counted in ClinVar's aggregate classification.